The following is an entry in ClinVar:

NM_000166.6(GJB1):c.592T>C (p.Ser198Pro)

Gene: GJB1 (gap junction protein beta 1; plus strand). Cytogenetic location: Xq13.1.
Variant type: single nucleotide variant.
Coding change: c.592T>C on transcript NM_000166.6 (MANE Select); coding-DNA position 592, T replaced by C.
Protein change: p.Ser198Pro; replaces serine 198 with proline.
Molecular consequence: missense variant.
Genome position (GRCh38, 1-based): chrX:71,224,299, T>C. VCF-style: chrX-71224299-T-C. GRCh37 (hg19) VCF-style: chrX-70444149-T-C.
Other names: c.592T>C, p.Ser198Pro (NM_001097642.3); short protein forms S198P.
Identifiers: ClinVar variation 447438 (VCV000447438.11), dbSNP rs1555937259, ClinGen allele CA413503248.
Genomic context (GRCh38, chrX:71,224,299, plus strand): 5'-GACTGCTTCGTGTCCCGCCCCACCGAGAAAACCGTCTTCACCGTCTTCATGCTAGCTGCC[T>C]CTGGCATCTGCATCATCCTCAATGTGGCCGAGGTGGTGTACCTCATCATCCGGGCCTGTG-3'
Protein context (NP_000157.1, residues 188-208): TVFTVFMLAA[Ser198Pro]GICIILNVAE

ClinVar aggregate classification (germline): Uncertain significance. Review status: criteria provided, multiple submitters, no conflicts (2 of 4 stars). 2 submissions from 2 submitters: Uncertain significance (2). Last evaluated 2025-07-01.

Conditions:
Charcot-Marie-Tooth Neuropathy X. Identifiers: MedGen CN118851.

Submissions (2):

Labcorp Genetics (formerly Invitae), Labcorp
Classification: Uncertain significance for Charcot-Marie-Tooth Neuropathy X. Last evaluated: 2025-07-01. Review status: criteria provided, single submitter. Criteria: Invitae Variant Classification Sherloc (09022015). Collection method: clinical testing. Allele origin: germline.
Comment: This sequence change replaces serine, which is neutral and polar, with proline, which is neutral and non-polar, at codon 198 of the GJB1 protein (p.Ser198Pro). This variant is not present in population databases (gnomAD no frequency). This variant has not been reported in the literature in individuals affected with GJB1-related conditions. ClinVar contains an entry for this variant (Variation ID: 447438). Invitae Evidence Modeling of protein sequence and biophysical properties (such as structural, functional, and spatial information, amino acid conservation, physicochemical variation, residue mobility, and thermodynamic stability) indicates that this missense variant is expected to disrupt GJB1 protein function with a positive predictive value of 95%. This variant disrupts the p.Ser198 amino acid residue in GJB1. Other variant(s) that disrupt this residue have been observed in individuals with GJB1-related conditions (PMID: 9361298, 19259128), which suggests that this may be a clinically significant amino acid residue. In summary, the available evidence is currently insufficient to determine the role of this variant in disease. Therefore, it has been classified as a Variant of Uncertain Significance.

Athena Diagnostics
Classification: Uncertain significance. Last evaluated: 2019-06-13. Review status: criteria provided, single submitter. Criteria: Athena Diagnostics Criteria. Collection method: clinical testing. Allele origin: germline.

Literature cited by the submitters: PubMed 9361298 (cited by Labcorp Genetics (formerly Invitae), Labcorp); PubMed 19259128 (cited by Labcorp Genetics (formerly Invitae), Labcorp).